The following is an entry in ClinVar:

NM_001167.4(XIAP):c.*80G>C

Gene: XIAP (X-linked inhibitor of apoptosis; plus strand). Cytogenetic location: Xq25.
Variant type: single nucleotide variant.
Coding change: c.*80G>C on transcript NM_001167.4 (MANE Select); 80 bases downstream of the stop codon, G replaced by C.
Molecular consequence: 3 prime UTR variant. On other transcripts: non-coding transcript variant (2).
Genome position (GRCh38, 1-based): chrX:123,907,261, G>C. VCF-style: chrX-123907261-G-C. GRCh37 (hg19) VCF-style: chrX-123041111-G-C.
Other names: c.*80G>C (NM_001204401.2, NM_001378590.1, NM_001378591.1 and 1 more transcripts).
Identifiers: ClinVar variation 367797 (VCV000367797.6), dbSNP rs12838858, ClinGen allele CA10508207.
Genomic context (GRCh38, chrX:123,907,261, plus strand): 5'-TGTTATGTTGTTCTTATTACCCTGATTGAATGTGTGATGTGAACTGACTTTAAGTAATCA[G>C]GATTGAATTCCATTAGCATTTGCTACCAAGTAGGAAAAAAAATGTACATGGCAGTGTTTT-3'

ClinVar aggregate classification (germline): Benign. Review status: criteria provided, multiple submitters, no conflicts (2 of 4 stars). 2 submissions from 2 submitters: Benign (2). Last evaluated 2017-04-27.

Conditions:
X-linked lymphoproliferative disease due to XIAP deficiency. Also called: XIAP DEFICIENCY; XIAP-Related Lymphoproliferative Disease, X-Linked. Identifiers: Orphanet 2442, Orphanet 538934, MedGen C1845076, MONDO:0010385, OMIM 300635.

Allele frequency attached by ClinVar (database versions not stated): 1000 Genomes Project 0.02967; 1000 Genomes Project 30x 0.03122; TOPMed 0.05508; gnomAD 0.06523.
gnomAD v4.1: 77,686 of 915,101 alleles (8.5%); highest among the groups gnomAD compares: Non-Finnish European, 10%; 2,669 homozygotes.

Submissions (2):

Illumina Laboratory Services, Illumina
Classification: Benign for X-linked lymphoproliferative disease due to XIAP deficiency. Last evaluated: 2017-04-27. Review status: criteria provided, single submitter. Criteria: ICSL Variant Classification Criteria 13 December 2019. Collection method: clinical testing. Allele origin: germline.
Comment: This variant was observed as part of a predisposition screen in an ostensibly healthy population. A literature search was performed for the gene, cDNA change, and amino acid change (where applicable). No publications were found based on this search. Allele frequency data from public databases was too high to be consistent with this variant causing disease. Therefore, this variant is classified as benign.

Breakthrough Genomics
Classification: Benign. Review status: criteria provided, single submitter. Criteria: ACMG Guidelines, 2015. Collection method: not provided. Allele origin: germline. Inheritance: X-linked inheritance. Affected: yes.